The following is an entry in ClinVar:

NM_002890.3(RASA1):c.338A>T (p.Asp113Val)

Gene: RASA1 (RAS p21 protein activator 1; plus strand). Cytogenetic location: 5q14.3.
Variant type: single nucleotide variant.
Coding change: c.338A>T on transcript NM_002890.3 (MANE Select); coding-DNA position 338, A replaced by T.
Protein change: p.Asp113Val; replaces aspartic acid 113 with valine.
Molecular consequence: missense variant.
Genome position (GRCh38, 1-based): chr5:87,268,789, A>T. VCF-style: chr5-87268789-A-T. GRCh37 (hg19) VCF-style: chr5-86564606-A-T.
Other names: short protein forms D113V.
Identifiers: ClinVar variation 1025750 (VCV001025750.9), dbSNP rs748658296, ClinGen allele CA3335399.

ClinVar aggregate classification (germline): Uncertain significance. Review status: criteria provided, multiple submitters, no conflicts (2 of 4 stars). 2 submissions from 2 submitters: Uncertain significance (2). Last evaluated 2022-06-22.

Conditions:
Capillary malformation-arteriovenous malformation syndrome. Also called: Capillary malformation-arteriovenous malformation. Identifiers: Orphanet 137667, MedGen C1842180, MONDO:0012016.
Cardiovascular phenotype. Identifiers: MedGen CN230736.

Allele frequency attached by ClinVar (database versions not stated): ExAC 0.00001; gnomAD 0.00001; gnomAD exomes 0.00001.
gnomAD v4.1: 21 of 1,613,728 alleles (0.0013%); highest among the groups gnomAD compares: Non-Finnish European, 0.0018%; no homozygotes.

Submissions (2):

Labcorp Genetics (formerly Invitae), Labcorp
Classification: Uncertain significance for Capillary malformation-arteriovenous malformation syndrome. Last evaluated: 2022-06-22. Review status: criteria provided, single submitter. Criteria: Invitae Variant Classification Sherloc (09022015). Collection method: clinical testing. Allele origin: germline.
Comment: This variant has not been reported in the literature in individuals affected with RASA1-related conditions. In summary, the available evidence is currently insufficient to determine the role of this variant in disease. Therefore, it has been classified as a Variant of Uncertain Significance. Algorithms developed to predict the effect of missense changes on protein structure and function are either unavailable or do not agree on the potential impact of this missense change (SIFT: "Tolerated"; PolyPhen-2: "Possibly Damaging"; Align-GVGD: "Class C0"). ClinVar contains an entry for this variant (Variation ID: 1025750). This variant is present in population databases (rs748658296, gnomAD 0.002%). This sequence change replaces aspartic acid, which is acidic and polar, with valine, which is neutral and non-polar, at codon 113 of the RASA1 protein (p.Asp113Val).

Ambry Genetics
Classification: Uncertain significance for Cardiovascular phenotype. Last evaluated: 2021-09-21. Review status: criteria provided, single submitter. Criteria: Ambry Variant Classification Scheme 2023. Collection method: clinical testing. Allele origin: germline.
Comment: The p.D113V variant (also known as c.338A>T), located in coding exon 1 of the RASA1 gene, results from an A to T substitution at nucleotide position 338. The aspartic acid at codon 113 is replaced by valine, an amino acid with highly dissimilar properties. This amino acid position is conserved. In addition, this alteration is predicted to be tolerated by in silico analysis. Since supporting evidence is limited at this time, the clinical significance of this alteration remains unclear.